The following is an entry in ClinVar:

NM_000362.5(TIMP3):c.386T>C (p.Leu129Pro)

Genes: SYN3 (synapsin III; minus strand), TIMP3 (TIMP metallopeptidase inhibitor 3; plus strand). Cytogenetic location: 22q12.3.
Variant type: single nucleotide variant.
Coding change: c.386T>C on transcript NM_000362.5 (MANE Select); coding-DNA position 386, T replaced by C.
Protein change: p.Leu129Pro; replaces leucine 129 with proline.
Molecular consequence: missense variant. On other transcripts: intron variant (7).
Genome position (GRCh38, 1-based): chr22:32,858,086, T>C. VCF-style: chr22-32858086-T-C. GRCh37 (hg19) VCF-style: chr22-33254073-T-C.
Other names: c.708+6829A>G (NM_001369909.1, NM_001135774.2, NM_001369910.1); c.711+6829A>G (NM_001369907.1, NM_003490.4, NM_001369908.1 and 1 more transcripts); short protein forms L129P.
Identifiers: ClinVar variation 2092791 (VCV002092791.4), dbSNP rs2545895559, ClinGen allele CA411539776.

ClinVar aggregate classification (germline): Uncertain significance (1 of 4 stars; one submission).

Submission:

Labcorp Genetics (formerly Invitae), Labcorp
Classification: Uncertain significance. Last evaluated: 2022-02-04. Review status: criteria provided, single submitter. Criteria: Invitae Variant Classification Sherloc (09022015). Collection method: clinical testing. Allele origin: germline.
Comment: This sequence change replaces leucine, which is neutral and non-polar, with proline, which is neutral and non-polar, at codon 129 of the TIMP3 protein (p.Leu129Pro). This variant is not present in population databases (gnomAD no frequency). This variant has not been reported in the literature in individuals affected with TIMP3-related conditions. Algorithms developed to predict the effect of missense changes on protein structure and function are either unavailable or do not agree on the potential impact of this missense change (SIFT: "Deleterious"; PolyPhen-2: "Benign"; Align-GVGD: "Class C0"). In summary, the available evidence is currently insufficient to determine the role of this variant in disease. Therefore, it has been classified as a Variant of Uncertain Significance.